The following is an entry in ClinVar:

NM_001379081.2(FREM1):c.544C>G (p.Leu182Val)

Gene: FREM1 (FRAS1 related extracellular matrix 1; minus strand). Cytogenetic location: 9p22.3.
Variant type: single nucleotide variant.
Coding change: c.544C>G on transcript NM_001379081.2 (MANE Select); coding-DNA position 544, C replaced by G.
Protein change: p.Leu182Val; replaces leucine 182 with valine.
Molecular consequence: missense variant. On other transcripts: non-coding transcript variant (4).
Genome position (GRCh38, 1-based): chr9:14,859,270, G>C on the plus strand (C>G on the coding strand, the complement: FREM1 is on the minus strand). VCF-style: chr9-14859270-G-C. GRCh37 (hg19) VCF-style: chr9-14859268-G-C.
Other names: c.544C>G, p.Leu182Val (NM_001370060.1, NM_001370063.1, NM_001370065.1 and 1 more transcripts); short protein forms L182V.
Identifiers: ClinVar variation 913237 (VCV000913237.9), dbSNP rs1230078063, ClinGen allele CA372963765.

ClinVar aggregate classification (germline): Uncertain significance. Review status: criteria provided, multiple submitters, no conflicts (2 of 4 stars). 4 submissions from 4 submitters: Uncertain significance (4). Last evaluated 2025-01-31.

Conditions:
BNAR syndrome. Also called: Bifid Nose With or Without Anorectal and Renal Anomalies (BNAR) Syndrome. Identifiers: Orphanet 217266, MedGen C2750433, MONDO:0012165, OMIM 608980.
Oculotrichoanal syndrome (MOTA). Also called: MARLES SYNDROME; Manitoba Oculotrichoanal (MOTA) Syndrome. Identifiers: Orphanet 2717, MedGen C1855425, MONDO:0009560, OMIM 248450.
Trigonocephaly 2 (TRIGNO2). Identifiers: Orphanet 3366, MedGen C3280974, MONDO:0013774, OMIM 614485.

Allele frequency attached by ClinVar (database versions not stated): gnomAD 0.00001; gnomAD exomes 0.00001 and 0.00002; TOPMed 0.00001.
gnomAD v4.1: 7 of 1,613,642 alleles (0.00043%); highest among the groups gnomAD compares: Admixed American, 0.012%; no homozygotes.

Submissions (4):

GeneDx
Classification: Uncertain significance. Last evaluated: 2025-01-31. Review status: criteria provided, single submitter. Criteria: GeneDx Variant Classification Process June 2021. Collection method: clinical testing. Allele origin: germline. Affected: yes.
Comment: In silico analysis indicates that this missense variant does not alter protein structure/function; Has not been previously published as pathogenic or benign to our knowledge

Labcorp Genetics (formerly Invitae), Labcorp
Classification: Uncertain significance. Last evaluated: 2022-03-09. Review status: criteria provided, single submitter. Criteria: Invitae Variant Classification Sherloc (09022015). Collection method: clinical testing. Allele origin: germline.
Comment: In summary, the available evidence is currently insufficient to determine the role of this variant in disease. Therefore, it has been classified as a Variant of Uncertain Significance. Algorithms developed to predict the effect of missense changes on protein structure and function are either unavailable or do not agree on the potential impact of this missense change (SIFT: "Deleterious"; PolyPhen-2: "Benign"; Align-GVGD: "Class C0"). ClinVar contains an entry for this variant (Variation ID: 913237). This variant has not been reported in the literature in individuals affected with FREM1-related conditions. This variant is present in population databases (no rsID available, gnomAD 0.01%). This sequence change replaces leucine, which is neutral and non-polar, with valine, which is neutral and non-polar, at codon 182 of the FREM1 protein (p.Leu182Val).

Fulgent Genetics
Classification: Uncertain significance for Oculotrichoanal syndrome; BNAR syndrome; Trigonocephaly 2. Last evaluated: 2021-12-06. Review status: criteria provided, single submitter. Criteria: ACMG Guidelines, 2015. Collection method: clinical testing. Allele origin: unknown.

Illumina Laboratory Services, Illumina
Classification: Uncertain significance for Oculotrichoanal syndrome. Last evaluated: 2017-04-28. Review status: criteria provided, single submitter. Criteria: ICSL Variant Classification Criteria 13 December 2019. Collection method: clinical testing. Allele origin: germline.